The following is an entry in ClinVar:

NM_015721.3(GEMIN4):c.765C>T (p.Asp255=)

Gene: GEMIN4 (gem nuclear organelle associated protein 4; minus strand). Cytogenetic location: 17p13.3.
Variant type: single nucleotide variant.
Coding change: c.765C>T on transcript NM_015721.3 (MANE Select); coding-DNA position 765, C replaced by T.
Protein change: p.Asp255=; no amino-acid change (aspartic acid 255 retained).
Molecular consequence: synonymous variant.
Genome position (GRCh38, 1-based): chr17:747,278, G>A on the plus strand (C>T on the coding strand, the complement: GEMIN4 is on the minus strand). VCF-style: chr17-747278-G-A. GRCh37 (hg19) VCF-style: chr17-650518-G-A.
Other names: c.765C>T (NM_015721.2).
Identifiers: ClinVar variation 1185311 (VCV001185311.7), dbSNP rs35696687, ClinGen allele CA8262817.

ClinVar aggregate classification (germline): Benign. Review status: criteria provided, multiple submitters, no conflicts (2 of 4 stars). 4 submissions from 4 submitters: Benign (3). 1 of the submissions does not count toward it. Last evaluated 2024-11-28.

Conditions:
GEMIN4-related disorder. Also called: GEMIN4-related condition.
Neurodevelopmental disorder with microcephaly, cataracts, and renal abnormalities. Identifiers: MedGen C4693567, MONDO:0060664, OMIM 617913.

Allele frequency attached by ClinVar (database versions not stated): 1000 Genomes Project 30x 0.07183; 1000 Genomes Project 0.07388; TOPMed 0.10889; gnomAD 0.11818 and 0.11929; ESP Exome Variant Server 0.12306; ExAC 0.12768; gnomAD exomes 0.12986 and 0.15900.
gnomAD v4.1: 249,961 of 1,613,600 alleles (15%); highest among the groups gnomAD compares: Middle Eastern, 19%; 21,338 homozygotes.

Submissions (4):

Blueprint Genetics
Classification: Benign. Last evaluated: 2024-11-28. Review status: criteria provided, single submitter. Criteria: ACMG Guidelines, 2015. Collection method: clinical testing. Allele origin: germline.

Genome-Nilou Lab
Classification: Benign for Neurodevelopmental disorder with microcephaly, cataracts, and renal abnormalities. Last evaluated: 2021-07-14. Review status: criteria provided, single submitter. Criteria: ACMG Guidelines, 2015. Collection method: clinical testing. Allele origin: germline. Affected: no.

Breakthrough Genomics
Classification: Benign. Review status: criteria provided, single submitter. Criteria: ACMG Guidelines, 2015. Collection method: not provided. Allele origin: germline. Inheritance: Autosomal recessive inheritance. Affected: yes.

PreventionGenetics, part of Exact Sciences
Classification: Benign for GEMIN4-related condition. Last evaluated: 2019-10-21. Review status: no assertion criteria provided. Collection method: clinical testing. Allele origin: germline. Not counted in ClinVar's aggregate classification.
Comment: This variant is classified as benign based on ACMG/AMP sequence variant interpretation guidelines (Richards et al. 2015 PMID: 25741868, with internal and published modifications).